The following is an entry in ClinVar:

NM_001040142.2(SCN2A):c.5229A>G (p.Lys1743=)

Gene: SCN2A (sodium voltage-gated channel alpha subunit 2; plus strand). Cytogenetic location: 2q24.3.
Variant type: single nucleotide variant.
Coding change: c.5229A>G on transcript NM_001040142.2 (MANE Select); coding-DNA position 5229, A replaced by G.
Protein change: p.Lys1743=; no amino-acid change (lysine 1743 retained).
Molecular consequence: synonymous variant.
Genome position (GRCh38, 1-based): chr2:165,389,035, A>G. VCF-style: chr2-165389035-A-G. GRCh37 (hg19) VCF-style: chr2-166245545-A-G.
Other names: p.K1743K:AAA>AAG; c.5229A>G, p.Lys1743= (NM_001040143.2, NM_001371246.1, NM_001371247.1 and 1 more transcripts).
Identifiers: ClinVar variation 139018 (VCV000139018.50), dbSNP rs2227898, ClinGen allele CA302875.
Genomic context (GRCh38, chr2:165,389,035, plus strand): 5'-TCTTAATAGTGGACCTCCAGACTGTGACCCTGACAAAGATCACCCTGGAAGCTCAGTTAA[A>G]GGAGACTGTGGGAACCCATCTGTTGGGATTTTCTTTTTTGTCAGTTACATCATCATATCC-3'
Protein context (NP_001035232.1, residues 1733-1753): PDKDHPGSSV[Lys1743=]GDCGNPSVGI

ClinVar aggregate classification (germline): Benign/Likely benign. Review status: criteria provided, multiple submitters, no conflicts (2 of 4 stars). 10 submissions from 10 submitters: Benign (4); Likely benign (5). 1 of the submissions does not count toward it. Last evaluated 2026-01-11.

Conditions:
SCN2A-related disorder. Also called: SCN2A-related disorders; SCN2A-related condition. Identifiers: MedGen CN382226, MONDO:1060245.
Seizures, benign familial infantile, 3 (BFIS3). Also called: CONVULSIONS, BENIGN FAMILIAL INFANTILE, 3; Familial neonatal seizures. Identifiers: Orphanet 140927, Orphanet 306, MedGen C1843140, MONDO:0011904, OMIM 607745.
Developmental and epileptic encephalopathy, 11 (DEE11). Also called: Early infantile epileptic encephalopathy 11. Identifiers: Orphanet 1934, MedGen C3150987, MONDO:0013388, OMIM 613721.
Episodic ataxia, type 9. Identifiers: MedGen C5394520, MONDO:0030064, OMIM 618924.
Inborn genetic diseases. Identifiers: MedGen C0950123, MeSH D030342.

Allele frequency attached by ClinVar (database versions not stated): gnomAD exomes 0.00013 and 0.00041; ExAC 0.00049; ESP Exome Variant Server 0.00123; gnomAD 0.00134 and 0.00144; 1000 Genomes Project 30x 0.00156; TOPMed 0.00158; 1000 Genomes Project 0.00160.
gnomAD v4.1: 408 of 1,614,112 alleles (0.025%); highest among the groups gnomAD compares: African/African-American, 0.44%; 1 homozygote.

Submissions (10):

Labcorp Genetics (formerly Invitae), Labcorp
Classification: Benign for Seizures, benign familial infantile, 3; Developmental and epileptic encephalopathy, 11. Last evaluated: 2026-01-11. Review status: criteria provided, single submitter. Criteria: Invitae Variant Classification Sherloc (09022015). Collection method: clinical testing. Allele origin: germline.

Blueprint Genetics
Classification: Likely benign. Last evaluated: 2024-08-05. Review status: criteria provided, single submitter. Criteria: ACMG Guidelines, 2015. Collection method: clinical testing. Allele origin: germline.

Ambry Genetics
Classification: Likely benign for Inborn genetic diseases. Last evaluated: 2024-01-02. Review status: criteria provided, single submitter. Criteria: Ambry Variant Classification Scheme 2023. Collection method: clinical testing. Allele origin: germline.

CeGaT Center for Human Genetics Tuebingen
Classification: Likely benign. Last evaluated: 2023-12-01. Review status: criteria provided, single submitter. Criteria: CeGaT Center For Human Genetics Tuebingen Variant Classification Criteria Version 2. Collection method: clinical testing. Allele origin: germline. Affected: yes. Observed: 2 variant alleles.
Comment: SCN2A: BP4, BP7, BS1

Fulgent Genetics
Classification: Likely benign for Seizures, benign familial infantile, 3; Developmental and epileptic encephalopathy, 11; Episodic ataxia, type 9. Last evaluated: 2022-05-11. Review status: criteria provided, single submitter. Criteria: ACMG Guidelines, 2015. Collection method: clinical testing. Allele origin: unknown.

Illumina Laboratory Services, Illumina
Classification: Benign for Seizures, benign familial infantile, 3. Last evaluated: 2018-01-13. Review status: criteria provided, single submitter. Criteria: ICSL Variant Classification Criteria 13 December 2019. Collection method: clinical testing. Allele origin: germline.
Comment: This variant was observed in the ICSL laboratory as part of a predisposition screen in an ostensibly healthy population. It had not been previously curated by ICSL or reported in the Human Gene Mutation Database (HGMD: prior to June 1st, 2018), and was therefore a candidate for classification through an automated scoring system. Utilizing variant allele frequency, disease prevalence and penetrance estimates, and inheritance mode, an automated score was calculated to assess if this variant is too frequent to cause the disease. Based on the score and internal cut-off values, a variant classified as benign is not then subjected to further curation. The score for this variant resulted in a classification of benign for this disease.

Athena Diagnostics
Classification: Benign. Last evaluated: 2017-09-07. Review status: criteria provided, single submitter. Criteria: Athena Diagnostics Criteria. Collection method: clinical testing. Allele origin: germline.

Eurofins Ntd Llc (ga)
Classification: Likely benign. Last evaluated: 2015-05-21. Review status: criteria provided, single submitter. Criteria: EGL Classification Definitions 2015. Collection method: clinical testing. Allele origin: germline. Observed: 2 variant alleles, 2 heterozygotes.

GeneDx
Classification: Benign. Last evaluated: 2014-05-16. Review status: criteria provided, single submitter. Criteria: GeneDx Variant Classification (06012015). Collection method: clinical testing. Allele origin: germline. Affected: yes.
Comment: This variant is considered likely benign or benign based on one or more of the following criteria: it is a conservative change, it occurs at a poorly conserved position in the protein, it is predicted to be benign by multiple in silico algorithms, and/or has population frequency not consistent with disease.

PreventionGenetics, part of Exact Sciences
Classification: Benign for SCN2A-related condition. Last evaluated: 2024-02-21. Review status: no assertion criteria provided. Collection method: clinical testing. Allele origin: germline. Not counted in ClinVar's aggregate classification.
Comment: This variant is classified as benign based on ACMG/AMP sequence variant interpretation guidelines (Richards et al. 2015 PMID: 25741868, with internal and published modifications).